The following is an entry in ClinVar:

NM_005431.2(XRCC2):c.122G>A (p.Gly41Asp)

Gene: XRCC2 (X-ray repair cross complementing 2; minus strand). Cytogenetic location: 7q36.1.
Variant type: single nucleotide variant.
Coding change: c.122G>A on transcript NM_005431.2 (MANE Select); coding-DNA position 122, G replaced by A.
Protein change: p.Gly41Asp; replaces glycine 41 with aspartic acid.
Molecular consequence: missense variant.
Genome position (GRCh38, 1-based): chr7:152,649,363, C>T on the plus strand (G>A on the coding strand, the complement: XRCC2 is on the minus strand). VCF-style: chr7-152649363-C-T. GRCh37 (hg19) VCF-style: chr7-152346448-C-T.
Other names: short protein forms G41D.
Identifiers: ClinVar variation 818651 (VCV000818651.12), dbSNP rs1590129831, ClinGen allele CA370199380.

ClinVar aggregate classification (germline): Uncertain significance. Review status: criteria provided, multiple submitters, no conflicts (2 of 4 stars). 2 submissions from 2 submitters: Uncertain significance (2). Last evaluated 2021-02-18.

Conditions:
Hereditary cancer-predisposing syndrome. Also called: Tumor predisposition; Hereditary neoplastic syndrome; Neoplastic Syndromes, Hereditary; Hereditary Cancer Syndrome. Identifiers: Orphanet 140162, MedGen C0027672, MeSH D009386, MONDO:0015356.

Submissions (2):

Labcorp Genetics (formerly Invitae), Labcorp
Classification: Uncertain significance. Last evaluated: 2021-02-18. Review status: criteria provided, single submitter. Criteria: Invitae Variant Classification Sherloc (09022015). Collection method: clinical testing. Allele origin: germline.
Comment: Algorithms developed to predict the effect of missense changes on protein structure and function are either unavailable or do not agree on the potential impact of this missense change (SIFT: "Deleterious"; PolyPhen-2: "Probably Damaging"; Align-GVGD: "Class C0"). In summary, the available evidence is currently insufficient to determine the role of this variant in disease. Therefore, it has been classified as a Variant of Uncertain Significance. This variant has not been reported in the literature in individuals with XRCC2-related conditions. ClinVar contains an entry for this variant (Variation ID: 818651). This variant is not present in population databases (ExAC no frequency). This sequence change replaces glycine with aspartic acid at codon 41 of the XRCC2 protein (p.Gly41Asp). The glycine residue is highly conserved and there is a moderate physicochemical difference between glycine and aspartic acid.

Ambry Genetics
Classification: Uncertain significance for Hereditary cancer-predisposing syndrome. Last evaluated: 2019-01-08. Review status: criteria provided, single submitter. Criteria: Ambry Variant Classification Scheme 2023. Collection method: clinical testing. Allele origin: germline.
Comment: The p.G41D variant (also known as c.122G>A) is located in coding exon 3 of the XRCC2 gene. The glycine at codon 41 is replaced by aspartic acid, an amino acid with similar properties. This change occurs in the first base pair of coding exon 3. This nucleotide position is highly conserved in available vertebrate species. This amino acid position is highly conserved in available vertebrate species. In addition, this alteration is predicted to be deleterious by in silico analysis. Since supporting evidence is limited at this time, the clinical significance of this alteration remains unclear.